The following is an entry in ClinVar:

ClinVar aggregate classification (germline): Pathogenic (1 of 4 stars; one submission).

Conditions:
Epilepsy. Also called: Seizure disorder. Identifiers: MedGen C0014544, MeSH D004827, MONDO:0005027.

Submission:

Labcorp Genetics (formerly Invitae), Labcorp
Classification: Pathogenic for Epilepsy. Last evaluated: 2024-09-08. Review status: criteria provided, single submitter. Criteria: Invitae Variant Classification Sherloc (09022015). Collection method: clinical testing. Allele origin: germline.
Comment: This sequence change creates a premature translational stop signal (p.Ser178Valfs*11) in the PIGQ gene. It is expected to result in an absent or disrupted protein product. Loss-of-function variants in PIGQ are known to be pathogenic (PMID: 24463883, 25558065). This variant is present in population databases (no rsID available, gnomAD 0.008%). This variant has not been reported in the literature in individuals affected with PIGQ-related conditions. For these reasons, this variant has been classified as Pathogenic.

Literature cited by the submitters: PubMed 24463883; PubMed 25558065.

NM_004204.5(PIGQ):c.532del (p.Ser178fs)

Gene: PIGQ (phosphatidylinositol glycan anchor biosynthesis class Q; plus strand). Cytogenetic location: 16p13.3.
Variant type: Deletion.
Coding change: c.532del on transcript NM_004204.5 (MANE Select); coding-DNA position 532, one base deleted (A; older notation c.532delA).
Protein change: p.Ser178fs; shifts the reading frame from serine 178.
Molecular consequence: frameshift variant.
Genome position (GRCh38, 1-based): chr16:574,606, A deleted. VCF-style (leftmost placement, unchanged base first): chr16-574605-CA-C. GRCh37 (hg19) VCF-style: chr16-624605-CA-C.
Other names: c.532del, p.Ser178fs (NM_148920.4); short protein forms S178fs.
Identifiers: ClinVar variation 3666464 (VCV003666464.2).